The following is an entry in ClinVar:

ClinVar aggregate classification (germline): Uncertain significance (1 of 4 stars; one submission).

Conditions:
Aspartylglucosaminuria (AGU). Also called: GLYCOASPARAGINASE; GLYCOSYLASPARAGINASE DEFICIENCY; AGA DEFICIENCY; Aspartylglucos-aminuria; Aspartylglucos-amidase (AGA) deficiency. Identifiers: Orphanet 93, MedGen C0268225, MONDO:0008830, OMIM 208400, HP:0012068.

Allele frequency attached by ClinVar (database versions not stated): gnomAD exomes below 0.00001.
gnomAD v4.1: 2 of 1,614,104 alleles (0.00012%); highest among the groups gnomAD compares: Non-Finnish European, 0.00017%; no homozygotes.

Submission:

Labcorp Genetics (formerly Invitae), Labcorp
Classification: Uncertain significance for Aspartylglucosaminuria. Last evaluated: 2021-12-02. Review status: criteria provided, single submitter. Criteria: Invitae Variant Classification Sherloc (09022015). Collection method: clinical testing. Allele origin: germline.
Comment: This sequence change replaces phenylalanine, which is neutral and non-polar, with leucine, which is neutral and non-polar, at codon 300 of the AGA protein (p.Phe300Leu). This variant is not present in population databases (gnomAD no frequency). This variant has not been reported in the literature in individuals affected with AGA-related conditions. Algorithms developed to predict the effect of missense changes on protein structure and function are either unavailable or do not agree on the potential impact of this missense change (SIFT: "Deleterious"; PolyPhen-2: "Possibly Damaging"; Align-GVGD: "Class C15"). In summary, the available evidence is currently insufficient to determine the role of this variant in disease. Therefore, it has been classified as a Variant of Uncertain Significance.

NM_000027.4(AGA):c.900C>A (p.Phe300Leu)

Gene: AGA (aspartylglucosaminidase; minus strand). Cytogenetic location: 4q34.3.
Variant type: single nucleotide variant.
Coding change: c.900C>A on transcript NM_000027.4 (MANE Select); coding-DNA position 900, C replaced by A.
Protein change: p.Phe300Leu; replaces phenylalanine 300 with leucine.
Molecular consequence: missense variant. On other transcripts: non-coding transcript variant (1).
Genome position (GRCh38, 1-based): chr4:177,433,254, G>T on the plus strand (C>A on the coding strand, the complement: AGA is on the minus strand). VCF-style: chr4-177433254-G-T. GRCh37 (hg19) VCF-style: chr4-178354408-G-T.
Other names: c.870C>A, p.Phe290Leu (NM_001171988.2); short protein forms F300L, F290L.
Identifiers: ClinVar variation 1385069 (VCV001385069.6), dbSNP rs2111006859, ClinGen allele CA358781186.